The following is an entry in ClinVar:

NM_001386795.1(DTNA):c.1786A>G (p.Ile596Val)

Gene: DTNA (dystrobrevin alpha; plus strand). Cytogenetic location: 18q12.1.
Variant type: single nucleotide variant.
Coding change: c.1786A>G on transcript NM_001386795.1 (MANE Select); coding-DNA position 1786, A replaced by G.
Protein change: p.Ile596Val; replaces isoleucine 596 with valine.
Molecular consequence: missense variant.
Genome position (GRCh38, 1-based): chr18:34,875,281, A>G. VCF-style: chr18-34875281-A-G. GRCh37 (hg19) VCF-style: chr18-32455245-A-G.
Other names: c.1525A>G, p.Ile509Val (NM_001198938.2, NM_001198940.2, NM_001386753.1 and 5 more transcripts); c.1546A>G, p.Ile516Val (NM_001198939.2); c.832A>G, p.Ile278Val (NM_001198942.1); c.775A>G, p.Ile259Val (NM_001198943.1); c.661A>G, p.Ile221Val (NM_001198944.1); c.1615A>G, p.Ile539Val (NM_001386754.1, NM_001386755.1, NM_001386756.1 and 3 more transcripts); c.1612A>G, p.Ile538Val (NM_001386760.1); c.1534A>G, p.Ile512Val (NM_001386761.1, NM_032975.4); and 5 more; short protein forms I217V, I221V, I259V, I278V, I508V, I512V, I516V, I538V.
Identifiers: ClinVar variation 3008411 (VCV003008411.4), dbSNP rs1056092361, ClinGen allele CA297799536.

ClinVar aggregate classification (germline): Uncertain significance. Review status: criteria provided, multiple submitters, no conflicts (2 of 4 stars). 2 submissions from 2 submitters: Uncertain significance (2). Last evaluated 2025-02-26.

Conditions:
Left ventricular noncompaction 1 (LVNC1). Also called: LEFT VENTRICULAR NONCOMPACTION 1 WITH OR WITHOUT CONGENITAL HEART DEFECTS. Identifiers: Orphanet 54260, MedGen C1858725, MONDO:0011403, OMIM 604169.

Allele frequency attached by ClinVar (database versions not stated): gnomAD 0.00001; gnomAD exomes below 0.00001; TOPMed 0.00002.
gnomAD v4.1: 5 of 1,613,990 alleles (0.00031%); highest among the groups gnomAD compares: African/African-American, 0.0067%; no homozygotes.

Submissions (2):

Labcorp Genetics (formerly Invitae), Labcorp
Classification: Uncertain significance for Left ventricular noncompaction 1. Last evaluated: 2025-02-26. Review status: criteria provided, single submitter. Criteria: Invitae Variant Classification Sherloc (09022015). Collection method: clinical testing. Allele origin: germline.
Comment: This sequence change replaces isoleucine, which is neutral and non-polar, with valine, which is neutral and non-polar, at codon 569 of the DTNA protein (p.Ile569Val). This variant is not present in population databases (gnomAD no frequency). This variant has not been reported in the literature in individuals affected with DTNA-related conditions. ClinVar contains an entry for this variant (Variation ID: 3008411). An algorithm developed to predict the effect of missense changes on protein structure and function (PolyPhen-2) suggests that this variant is likely to be tolerated. In summary, the available evidence is currently insufficient to determine the role of this variant in disease. Therefore, it has been classified as a Variant of Uncertain Significance.

Laboratorio de Genetica e Diagnostico Molecular, Hospital Israelita Albert Einstein
Classification: Uncertain significance for Left ventricular noncompaction 1. Last evaluated: 2024-02-09. Review status: criteria provided, single submitter. Criteria: ACMG Guidelines, 2015. Collection method: clinical testing. Allele origin: germline. Affected: yes.
Comment: ACMG classification criteria: PM2 supporting, BP4 supporting